The following is an entry in ClinVar:

ClinVar aggregate classification (germline): Likely pathogenic. Review status: criteria provided, multiple submitters, no conflicts (2 of 4 stars). 2 submissions from 2 submitters: Likely pathogenic (2). Last evaluated 2024-06-07.

Conditions:
Mucopolysaccharidosis, MPS-II (MPS2). Also called: Hunter Syndrome; IDURONATE 2-SULFATASE DEFICIENCY; Mucopolysaccharidosis Type II; Mucopolysaccharidosis with skin involvement; IDS deficiency; Sulfoiduronate sulfatase deficiency. Identifiers: Orphanet 580, Orphanet 79388, MedGen C0026705, MONDO:0010674, OMIM 309900.

Submissions (2):

Laboratory of Diagnosis and Therapy of Lysosomal Disorders, University of Padova
Classification: Likely pathogenic for Mucopolysaccharidosis, MPS-II. Last evaluated: 2024-06-07. Review status: criteria provided, single submitter. Criteria: ACMG Guidelines, 2015. Collection method: literature only. Allele origin: germline. Affected: yes. Observed: 1 variant allele.
Comment: Absent from controls (or at low frequency) in gnomAD database (PM2_Moderate), Missense variant in a gene with a low rate of benign missense variation (PP2_Supporting), Multiple lines of computational evidence support a deleterious effect (PP3_Supporting), Patient’s phenotype or family history highly specific for the disease (PP4_Moderate)

Classification method: ACMG Guidelines [PMID:25741868] with modifications

Revvity Omics, Revvity
Classification: Likely pathogenic for Mucopolysaccharidosis, MPS-II. Last evaluated: 2022-06-22. Review status: criteria provided, single submitter. Criteria: ACMG Guidelines, 2015. Collection method: clinical testing. Allele origin: germline.

Literature cited by the submitters: PubMed 11462244 (cited by Laboratory of Diagnosis and Therapy of Lysosomal Disorders, University of Padova).

NM_000202.8(IDS):c.794A>T (p.Asn265Ile)

Genes: IDS (iduronate 2-sulfatase; minus strand), LOC106050102 (IDS recombination region; plus strand). Cytogenetic location: Xq28.
Variant type: single nucleotide variant.
Coding change: c.794A>T on transcript NM_000202.8 (MANE Select); coding-DNA position 794, A replaced by T.
Protein change: p.Asn265Ile; replaces asparagine 265 with isoleucine.
Molecular consequence: missense variant. On other transcripts: non-coding transcript variant (1).
Genome position (GRCh38, 1-based): chrX:149,496,431, T>A on the plus strand (A>T on the coding strand, the complement: IDS is on the minus strand). VCF-style: chrX-149496431-T-A. GRCh37 (hg19) VCF-style: chrX-148577962-T-A.
Other names: c.524A>T, p.Asn175Ile (NM_001166550.4); c.794A>T, p.Asn265Ile (NM_006123.5); short protein forms N175I, N265I.
Identifiers: ClinVar variation 2440826 (VCV002440826.5), dbSNP rs2520851150, ClinGen allele CA414521929.